The following is an entry in ClinVar:

NM_001033044.4(GLUL):c.1049C>T (p.Ser350Leu)

Gene: GLUL (glutamate-ammonia ligase; minus strand). Cytogenetic location: 1q25.3.
Variant type: single nucleotide variant.
Coding change: c.1049C>T on transcript NM_001033044.4 (MANE Select); coding-DNA position 1049, C replaced by T.
Protein change: p.Ser350Leu; replaces serine 350 with leucine.
Molecular consequence: missense variant.
Genome position (GRCh38, 1-based): chr1:182,384,478, G>A on the plus strand (C>T on the coding strand, the complement: GLUL is on the minus strand). VCF-style: chr1-182384478-G-A. GRCh37 (hg19) VCF-style: chr1-182353613-G-A.
Other names: c.1049C>T, p.Ser350Leu (NM_001033056.4, NM_002065.7); short protein forms S350L.
Identifiers: ClinVar variation 3854372 (VCV003854372.2).
Genomic context (GRCh38, chr1:182,384,478, plus strand): 5'-TGGAAGGGCTCATCGCCGGTTTCATTGAGAAGACACGTGCGGATGAGGGCTTCTGTCACC[G>A]AAAAGGGGTCGCAGTTGGCAGAGGGGCGACGATCTTCAAAGTAACCCTTCTTCTCCTGGC-3'
Protein context (NP_001028216.1, residues 340-360): RRPSANCDPF[Ser350Leu]VTEALIRTCL

ClinVar aggregate classification (germline): Uncertain significance. Review status: criteria provided, multiple submitters, no conflicts (2 of 4 stars). 2 submissions from 2 submitters: Uncertain significance (2). Last evaluated 2025-12-02.

Conditions:
Inborn genetic diseases. Identifiers: MedGen C0950123, MeSH D030342.
Congenital brain dysgenesis due to glutamine synthetase deficiency (GLND). Also called: GLUTAMINE SYNTHASE DEFICIENCY, CONGENITAL SYSTEMIC. Identifiers: Orphanet 71278, MedGen C1864910, MONDO:0012393, OMIM 610015.

gnomAD v4.1: 27 of 1,613,754 alleles (0.0017%); highest among the groups gnomAD compares: Admixed American, 0.0033%; no homozygotes.

Submissions (2):

Labcorp Genetics (formerly Invitae), Labcorp
Classification: Uncertain significance for Congenital brain dysgenesis due to glutamine synthetase deficiency. Last evaluated: 2025-12-02. Review status: criteria provided, single submitter. Criteria: Invitae Variant Classification Sherloc (09022015). Collection method: clinical testing. Allele origin: germline.
Comment: This sequence change replaces serine, which is neutral and polar, with leucine, which is neutral and non-polar, at codon 350 of the GLUL protein (p.Ser350Leu). This variant is present in population databases (no rsID available, gnomAD 0.002%). This variant has not been reported in the literature in individuals affected with GLUL-related conditions. ClinVar contains an entry for this variant (Variation ID: 3854372). Invitae Evidence Modeling of protein sequence and biophysical properties (such as structural, functional, and spatial information, amino acid conservation, physicochemical variation, residue mobility, and thermodynamic stability) indicates that this missense variant is not expected to disrupt GLUL protein function with a negative predictive value of 80%. In summary, the available evidence is currently insufficient to determine the role of this variant in disease. Therefore, it has been classified as a Variant of Uncertain Significance.

Ambry Genetics
Classification: Uncertain significance for Inborn genetic diseases. Last evaluated: 2025-01-24. Review status: criteria provided, single submitter. Criteria: Ambry Variant Classification Scheme 2023. Collection method: clinical testing. Allele origin: germline.